The following is an entry in ClinVar:

ClinVar aggregate classification (germline): Uncertain significance (1 of 4 stars; one submission).

Allele frequency attached by ClinVar (database versions not stated): 1000 Genomes Project 0.00020; 1000 Genomes Project 30x 0.00031.
gnomAD v4.1: 6 of 1,613,982 alleles (0.00037%); highest among the groups gnomAD compares: Admixed American, 0.005%; no homozygotes.

Submission:

Labcorp Genetics (formerly Invitae), Labcorp
Classification: Uncertain significance. Last evaluated: 2021-09-22. Review status: criteria provided, single submitter. Criteria: Invitae Variant Classification Sherloc (09022015). Collection method: clinical testing. Allele origin: germline.
Comment: This sequence change replaces alanine with glycine at codon 860 of the RNF216 protein (p.Ala860Gly). The alanine residue is weakly conserved and there is a small physicochemical difference between alanine and glycine. This variant is present in population databases (rs201457738, ExAC 0.01%). This variant has not been reported in the literature in individuals affected with RNF216-related conditions. Algorithms developed to predict the effect of missense changes on protein structure and function are either unavailable or do not agree on the potential impact of this missense change (SIFT: "Deleterious"; PolyPhen-2: "Benign"; Align-GVGD: "Class C0"). In summary, the available evidence is currently insufficient to determine the role of this variant in disease. Therefore, it has been classified as a Variant of Uncertain Significance.

NM_207111.4(RNF216):c.2579C>G (p.Ala860Gly)

Gene: RNF216 (ring finger protein 216; minus strand). Cytogenetic location: 7p22.1.
Variant type: single nucleotide variant.
Coding change: c.2579C>G on transcript NM_207111.4 (MANE Select); coding-DNA position 2579, C replaced by G.
Protein change: p.Ala860Gly; replaces alanine 860 with glycine.
Molecular consequence: missense variant.
Genome position (GRCh38, 1-based): chr7:5,623,053, G>C on the plus strand (C>G on the coding strand, the complement: RNF216 is on the minus strand). VCF-style: chr7-5623053-G-C. GRCh37 (hg19) VCF-style: chr7-5662684-G-C.
Other names: c.2408C>G, p.Ala803Gly (NM_001377156.1, NM_207116.3); short protein forms A803G, A860G.
Identifiers: ClinVar variation 1506979 (VCV001506979.6), dbSNP rs201457738, ClinGen allele CA4147749.